The following is an entry in ClinVar:

ClinVar aggregate classification (germline): Uncertain significance. Review status: criteria provided, multiple submitters, no conflicts (2 of 4 stars). 6 submissions from 6 submitters: Uncertain significance (6). Last evaluated 2025-10-07.

Conditions:
Familial thoracic aortic aneurysm and aortic dissection (TAAD). Also called: Thoracic aortic aneurysms and dissections. Identifiers: Orphanet 91387, MedGen C4707243, MONDO:0019625.
Aortic aneurysm, familial thoracic 4 (AAT4). Also called: AORTIC ANEURYSM/AORTIC DISSECTION AND PATENT DUCTUS ARTERIOSUS. Identifiers: MedGen C1851504, MONDO:0007568, OMIM 132900.

Allele frequency attached by ClinVar (database versions not stated): gnomAD exomes 0.00001 and 0.00002; ExAC 0.00002; TOPMed 0.00003; gnomAD 0.00005 and 0.00006; ESP Exome Variant Server 0.00015.
gnomAD v4.1: 20 of 1,613,896 alleles (0.0012%); highest among the groups gnomAD compares: African/African-American, 0.011%; no homozygotes.

Submissions (6):

Labcorp Genetics (formerly Invitae), Labcorp
Classification: Uncertain significance for Aortic aneurysm, familial thoracic 4. Last evaluated: 2025-10-07. Review status: criteria provided, single submitter. Criteria: Invitae Variant Classification Sherloc (09022015). Collection method: clinical testing. Allele origin: germline.
Comment: This sequence change replaces glutamic acid, which is acidic and polar, with lysine, which is basic and polar, at codon 1868 of the MYH11 protein (p.Glu1868Lys). This variant is present in population databases (rs139418145, gnomAD 0.02%). This variant has not been reported in the literature in individuals affected with MYH11-related conditions. ClinVar contains an entry for this variant (Variation ID: 201088). Invitae Evidence Modeling of protein sequence and biophysical properties (such as structural, functional, and spatial information, amino acid conservation, physicochemical variation, residue mobility, and thermodynamic stability) indicates that this missense variant is not expected to disrupt MYH11 protein function with a negative predictive value of 95%. In summary, the available evidence is currently insufficient to determine the role of this variant in disease. Therefore, it has been classified as a Variant of Uncertain Significance.

All of Us Research Program, National Institutes of Health
Classification: Uncertain significance for Familial thoracic aortic aneurysm and aortic dissection. Last evaluated: 2024-08-13. Review status: criteria provided, single submitter. Criteria: ACMG Guidelines, 2015. Collection method: clinical testing. Allele origin: germline. Inheritance: Autosomal dominant inheritance. Observed: 2 variant alleles, 2 heterozygotes.
Comment: This missense variant replaces glutamic acid with lysine at codon 1868 of the MYH11 protein. Computational prediction suggests that this variant may have deleterious impact on protein structure and function (internally defined REVEL score threshold >= 0.7, PMID: 27666373). To our knowledge, functional studies have not been reported for this variant. This variant has not been reported in individuals affected with cardiovascular disorders in the literature. This variant has been identified in 6/282758 chromosomes in the general population by the Genome Aggregation Database (gnomAD). The available evidence is insufficient to determine the role of this variant in disease conclusively. Therefore, this variant is classified as a Variant of Uncertain Significance.

This study involves interpretation of variants in research participants for the purpose of population health screening. Participant phenotype was not available at the time of variant classification. Additional details can be found in publication PMID: 35346344, PMCID: PMC8962531

Ambry Genetics
Classification: Uncertain significance for Familial thoracic aortic aneurysm and aortic dissection. Last evaluated: 2024-06-15. Review status: criteria provided, single submitter. Criteria: Ambry Variant Classification Scheme 2023. Collection method: clinical testing. Allele origin: germline.
Comment: The p.E1861K variant (also known as c.5581G>A), located in coding exon 38 of the MYH11 gene, results from a G to A substitution at nucleotide position 5581. The glutamic acid at codon 1861 is replaced by lysine, an amino acid with similar properties. This amino acid position is conserved. In addition, this alteration is predicted to be deleterious by in silico analysis. Since supporting evidence is limited at this time, the clinical significance of this alteration remains unclear.

Color Diagnostics, LLC DBA Color Health
Classification: Uncertain significance for Familial thoracic aortic aneurysm and aortic dissection. Last evaluated: 2024-03-06. Review status: criteria provided, single submitter. Criteria: ACMG Guidelines, 2015. Collection method: clinical testing. Allele origin: germline.
Comment: This missense variant replaces glutamic acid with lysine at codon 1868 of the MYH11 protein. Computational prediction suggests that this variant may have deleterious impact on protein structure and function (internally defined REVEL score threshold >= 0.7, PMID: 27666373). To our knowledge, functional studies have not been reported for this variant. This variant has not been reported in individuals affected with MYH11-related disorders in the literature. This variant has been identified in 6/282758 chromosomes in the general population by the Genome Aggregation Database (gnomAD). The available evidence is insufficient to determine the role of this variant in disease conclusively. Therefore, this variant is classified as a Variant of Uncertain Significance.

Revvity Omics, Revvity
Classification: Uncertain significance. Last evaluated: 2022-09-25. Review status: criteria provided, single submitter. Criteria: ACMG Guidelines, 2015. Collection method: clinical testing. Allele origin: germline.

GeneDx
Classification: Uncertain significance. Last evaluated: 2019-08-22. Review status: criteria provided, single submitter. Criteria: GeneDx Variant Classification Process June 2021. Collection method: clinical testing. Allele origin: germline. Affected: yes.
Comment: In silico analysis, which includes protein predictors and evolutionary conservation, supports a deleterious effect; Has not been previously published as pathogenic or benign to our knowledge

NM_002474.3(MYH11):c.5581G>A (p.Glu1861Lys)

Genes: NDE1 (nudE neurodevelopment protein 1; plus strand), MYH11 (myosin heavy chain 11; minus strand). Cytogenetic location: 16p13.11.
Variant type: single nucleotide variant.
Coding change: c.5581G>A on transcript NM_002474.3 (MANE Select); coding-DNA position 5581, G replaced by A.
Protein change: p.Glu1861Lys; replaces glutamic acid 1861 with lysine.
Molecular consequence: missense variant. On other transcripts: intron variant (2).
Genome position (GRCh38, 1-based): chr16:15,715,196, C>T on the plus strand (G>A on the coding strand, the complement: MYH11 is on the minus strand). VCF-style: chr16-15715196-C-T. GRCh37 (hg19) VCF-style: chr16-15809053-C-T.
Other names: p.E1861K:GAG>AAG; c.5602G>A, p.Glu1868Lys (NM_001040113.2, NM_001040114.2); c.5581G>A, p.Glu1861Lys (NM_022844.3); c.948-8995C>T (NM_001143979.2, NM_017668.3); short protein forms E1861K, E1868K.
Identifiers: ClinVar variation 201088 (VCV000201088.18), dbSNP rs139418145, ClinGen allele CA306607.
Genomic context (GRCh38, chr16:15,715,196, plus strand): 5'-TCGAGGGAGGCTGGGTGGCAGGGGCTACCTGCTCCTTGTACTGCTCGGCCATCTTGCGCT[C>T]GTCCTCCACCTGCAGCAAGATTTCCTTCAGCTTCTTGTCTTTCTGCTTCAGCGACTTGGT-3'
Protein context (NP_002465.1, residues 1851-1871): LKEILLQVED[Glu1861Lys]RKMAEQYKEQ